The following is an entry in ClinVar:

NM_000059.4(BRCA2):c.7486_7487insT (p.Lys2496fs)

Gene: BRCA2 (BRCA2 DNA repair associated; plus strand). Cytogenetic location: 13q13.1.
Variant type: Insertion.
Coding change: c.7486_7487insT on transcript NM_000059.4 (MANE Select); coding-DNA positions 7486 to 7487, T inserted.
Protein change: p.Lys2496fs; shifts the reading frame from lysine 2496.
Molecular consequence: frameshift variant.
Genome position: GRCh38 VCF-style: chr13-32356478-A-AT. GRCh37 (hg19) VCF-style: chr13-32930615-A-AT.
Other names: short protein forms K2496fs.
Identifiers: ClinVar variation 254608 (VCV000254608.2), dbSNP rs886038172, ClinGen allele CA10586578.

ClinVar aggregate classification (germline): Pathogenic (3 of 4 stars; one submission).

Conditions:
Breast-ovarian cancer, familial, susceptibility to, 2 (BROVCA2). Also called: BRCA2 Hereditary Breast and Ovarian Cancer. Identifiers: Orphanet 145, MedGen C2675520, MONDO:0012933, OMIM 612555. Disease mechanism: loss of function.

Submission:

Evidence-based Network for the Interpretation of Germline Mutant Alleles (ENIGMA)
Classification: Pathogenic for Breast-ovarian cancer, familial, susceptibility to, 2. Last evaluated: 2016-09-08. Review status: reviewed by expert panel. Criteria: ENIGMA BRCA1/2 Classification Criteria (2015). Collection method: curation. Allele origin: germline.
Comment: Variant allele predicted to encode a truncated non-functional protein.